The following is an entry in ClinVar:

ClinVar aggregate classification (germline): Uncertain significance (1 of 4 stars; one submission).

Submission:

GeneDx
Classification: Uncertain significance. Last evaluated: 2022-05-23. Review status: criteria provided, single submitter. Criteria: GeneDx Variant Classification Process June 2021. Collection method: clinical testing. Allele origin: germline. Affected: yes.
Comment: Not observed at significant frequency in large population cohorts (gnomAD); In-silico analysis is inconclusive as to whether the variant alters gene splicing. In the absence of RNA/functional studies, the actual effect of this sequence change is unknown.; Has not been previously published as pathogenic or benign to our knowledge

NM_000083.3(CLCN1):c.853+5G>A

Gene: CLCN1 (chloride voltage-gated channel 1; plus strand). Cytogenetic location: 7q34.
Variant type: single nucleotide variant.
Coding change: c.853+5G>A on transcript NM_000083.3 (MANE Select); 5 bases into the intron after coding-DNA position 853, G replaced by A.
Molecular consequence: intron variant.
Genome position (GRCh38, 1-based): chr7:143,324,497, G>A. VCF-style: chr7-143324497-G-A. GRCh37 (hg19) VCF-style: chr7-143021590-G-A.
Identifiers: ClinVar variation 1800982 (VCV001800982.1), dbSNP rs1802529065, ClinGen allele CA1748884293.